The following is an entry in ClinVar:

NM_000824.5(GLRB):c.904+3A>G

Gene: GLRB (glycine receptor beta; plus strand). Cytogenetic location: 4q32.1.
Variant type: single nucleotide variant.
Coding change: c.904+3A>G on transcript NM_000824.5 (MANE Select); 3 bases into the intron after coding-DNA position 904, A replaced by G.
Molecular consequence: intron variant.
Genome position (GRCh38, 1-based): chr4:157,143,962, A>G. VCF-style: chr4-157143962-A-G. GRCh37 (hg19) VCF-style: chr4-158065114-A-G.
Other names: c.904+3A>G (NM_001166061.2, NM_001166060.2).
Identifiers: ClinVar variation 1477763 (VCV001477763.3), dbSNP rs751547530, ClinGen allele CA3119889.

ClinVar aggregate classification (germline): Uncertain significance (1 of 4 stars; one submission).

Conditions:
Hyperekplexia 2 (HKPX2). Identifiers: Orphanet 3197, MedGen C3553291, MONDO:0013828, OMIM 614619.

Allele frequency attached by ClinVar (database versions not stated): ExAC 0.00001; gnomAD exomes 0.00001 and 0.00002; TOPMed 0.00001; gnomAD 0.00002.

Submission:

Labcorp Genetics (formerly Invitae), Labcorp
Classification: Uncertain significance for Hyperekplexia 2. Last evaluated: 2022-02-05. Review status: criteria provided, single submitter. Criteria: Invitae Variant Classification Sherloc (09022015). Collection method: clinical testing. Allele origin: germline.
Comment: This sequence change falls in intron 8 of the GLRB gene. It does not directly change the encoded amino acid sequence of the GLRB protein. It affects a nucleotide within the consensus splice site. This variant is present in population databases (rs751547530, gnomAD 0.003%). This variant has not been reported in the literature in individuals affected with GLRB-related conditions. Variants that disrupt the consensus splice site are a relatively common cause of aberrant splicing (PMID: 17576681, 9536098). Algorithms developed to predict the effect of sequence changes on RNA splicing suggest that this variant may disrupt the consensus splice site. In summary, the available evidence is currently insufficient to determine the role of this variant in disease. Therefore, it has been classified as a Variant of Uncertain Significance.

Literature cited by the submitters: PubMed 17576681; PubMed 9536098.